The following is an entry in ClinVar:

NM_020822.3(KCNT1):c.493dup

Gene: KCNT1 (potassium sodium-activated channel subfamily T member 1; plus strand). Cytogenetic location: 9q34.3.
Variant type: Duplication.
Coding change: c.493dup on transcript NM_020822.3 (MANE Select); coding-DNA position 493, one base duplicated (G; older notation c.493dupG).
Molecular consequence: splice acceptor variant.
Genome position (GRCh38, 1-based): chr9:135,755,122, G duplicated; the last of 3 consecutive G bases (chr9:135,755,120-135,755,122); duplicating any one gives the same sequence. VCF-style (leftmost placement, unchanged base first): chr9-135755119-A-AG. GRCh37 (hg19) VCF-style: chr9-138646965-A-AG.
Identifiers: ClinVar variation 4886260 (VCV004886260.2).

ClinVar aggregate classification (germline): Uncertain significance (1 of 4 stars; one submission).

Submission:

Dasa
Classification: Uncertain significance. Last evaluated: 2025-12-02. Review status: criteria provided, single submitter. Criteria: DASA Assertion Criteria. Collection method: clinical testing. Allele origin: germline.
Comment: NM_020822.3(KCNT1):c.493dup (p.Ala165Glyfs*90) is a frameshift variant in KCNT1 predicted to alter the reading frame and introduce a premature termination codon. This variant is absent from population databases. The currently available literature and clinical evidence are not sufficient to establish a definitive association between this variant and the reported condition. Therefore, this variant is classified as a variant of uncertain significance.